The following is an entry in ClinVar:

NM_032043.3(BRIP1):c.2694C>T (p.Asp898=)

Gene: BRIP1 (BRCA1 interacting DNA helicase 1; minus strand). Cytogenetic location: 17q23.2.
Variant type: single nucleotide variant.
Coding change: c.2694C>T on transcript NM_032043.3 (MANE Select); coding-DNA position 2694, C replaced by T.
Protein change: p.Asp898=; no amino-acid change (aspartic acid 898 retained).
Molecular consequence: synonymous variant.
Genome position (GRCh38, 1-based): chr17:61,686,047, G>A on the plus strand (C>T on the coding strand, the complement: BRIP1 is on the minus strand). VCF-style: chr17-61686047-G-A. GRCh37 (hg19) VCF-style: chr17-59763408-G-A.
Identifiers: ClinVar variation 1794829 (VCV001794829.3), dbSNP rs2144114797, ClinGen allele CA501335782.

ClinVar aggregate classification (germline): Benign/Likely benign. Review status: criteria provided, multiple submitters, no conflicts (2 of 4 stars). 2 submissions from 2 submitters: Benign (1); Likely benign (1). Last evaluated 2024-09-05.

Conditions:
Hereditary cancer-predisposing syndrome. Also called: Tumor predisposition; Hereditary Cancer Syndrome; Neoplastic Syndromes, Hereditary; Hereditary neoplastic syndrome. Identifiers: Orphanet 140162, MedGen C0027672, MeSH D009386, MONDO:0015356.
Familial cancer of breast. Also called: Hereditary breast cancer; BREAST CANCER, FAMILIAL; hereditary breast carcinoma. Identifiers: Orphanet 227535, MedGen C0346153, MONDO:0016419, OMIM 114480. Disease mechanism: loss of function.

Submissions (2):

Myriad Genetics, Inc.
Classification: Benign for Familial cancer of breast. Last evaluated: 2024-09-05. Review status: criteria provided, single submitter. Criteria: Myriad Autosomal Dominant, Autosomal Recessive and X-Linked Classification Criteria (2023). Collection method: clinical testing. Allele origin: unknown.
Comment: This variant is considered benign. This variant is a silent/synonymous amino acid change and it is not expected to impact splicing.

Ambry Genetics
Classification: Likely benign for Hereditary cancer-predisposing syndrome. Last evaluated: 2019-08-18. Review status: criteria provided, single submitter. Criteria: Ambry Variant Classification Scheme 2023. Collection method: clinical testing. Allele origin: germline.